The following is an entry in ClinVar:

NM_000135.4(FANCA):c.289G>C (p.Ala97Pro)

Gene: FANCA (FA complementation group A; minus strand). Cytogenetic location: 16q24.3.
Variant type: single nucleotide variant.
Coding change: c.289G>C on transcript NM_000135.4 (MANE Select); coding-DNA position 289, G replaced by C.
Protein change: p.Ala97Pro; replaces alanine 97 with proline.
Molecular consequence: missense variant.
Genome position (GRCh38, 1-based): chr16:89,811,066, C>G on the plus strand (G>C on the coding strand, the complement: FANCA is on the minus strand). VCF-style: chr16-89811066-C-G. GRCh37 (hg19) VCF-style: chr16-89877474-C-G.
Other names: c.289G>C, p.Ala97Pro (NM_001018112.3, NM_001286167.3, NM_001351830.2); short protein forms A97P.
Identifiers: ClinVar variation 3552540 (VCV003552540.2).

ClinVar aggregate classification (germline): Uncertain significance. Review status: criteria provided, multiple submitters, no conflicts (2 of 4 stars). 2 submissions from 2 submitters: Uncertain significance (2). Last evaluated 2024-10-11.

Conditions:
Fanconi anemia complementation group A (FANCA). Also called: Fanconi anemia, group A; FANCA-Related Fanconi Anemia. Identifiers: Orphanet 84, MedGen C3469521, MONDO:0009215, OMIM 227650.

gnomAD v4.1: 7 of 1,613,906 alleles (0.00043%); highest among the groups gnomAD compares: Middle Eastern, 0.016%; no homozygotes.

Submissions (2):

Quest Diagnostics Nichols Institute San Juan Capistrano
Classification: Uncertain significance. Last evaluated: 2024-10-11. Review status: criteria provided, single submitter. Criteria: Quest Diagnostics criteria. Collection method: clinical testing. Allele origin: unknown.
Comment: The FANCA c.289G>C (p.Ala97Pro) variant has not been reported in individuals with FANCA-related conditions in the published literature. The frequency of this variant in the general population, 0.000008 (2/250868 chromosomes (Genome Aggregation Database)), is uninformative in the assessment of its pathogenicity. Analysis of this variant using bioinformatics tools for the prediction of the effect of amino acid changes on protein structure and function yielded conflicting predictions that this variant is benign or damaging. Based on the available information, we are unable to determine the clinical significance of this variant.

Fulgent Genetics
Classification: Uncertain significance for Fanconi anemia complementation group A. Last evaluated: 2024-05-15. Review status: criteria provided, single submitter. Criteria: ACMG Guidelines, 2015. Collection method: clinical testing. Allele origin: germline.

Literature cited by the submitters: PubMed 32546565 (cited by Quest Diagnostics Nichols Institute San Juan Capistrano).